The following is an entry in ClinVar:

ClinVar aggregate classification (germline): Likely benign. Review status: criteria provided, multiple submitters, no conflicts (2 of 4 stars). 2 submissions from 2 submitters: Likely benign (2). Last evaluated 2024-06-25.

Allele frequency attached by ClinVar (database versions not stated): gnomAD 0.00004; TOPMed 0.00004.
gnomAD v4.1: 79 of 1,612,498 alleles (0.0049%); highest among the groups gnomAD compares: South Asian, 0.053%; no homozygotes.

Submissions (2):

Labcorp Genetics (formerly Invitae), Labcorp
Classification: Likely benign. Last evaluated: 2024-06-25. Review status: criteria provided, single submitter. Criteria: Invitae Variant Classification Sherloc (09022015). Collection method: clinical testing. Allele origin: germline.

CeGaT Center for Human Genetics Tuebingen
Classification: Likely benign. Last evaluated: 2022-04-01. Review status: criteria provided, single submitter. Criteria: CeGaT Center For Human Genetics Tuebingen Variant Classification Criteria Version 2. Collection method: clinical testing. Allele origin: germline. Affected: yes. Observed: 1 variant allele.
Comment: HYOU1: BP4, BP7

NM_006389.5(HYOU1):c.2892C>T (p.Ser964=)

Gene: HYOU1 (hypoxia up-regulated 1; minus strand). Cytogenetic location: 11q23.3.
Variant type: single nucleotide variant.
Coding change: c.2892C>T on transcript NM_006389.5 (MANE Select); coding-DNA position 2892, C replaced by T.
Protein change: p.Ser964=; no amino-acid change (serine 964 retained).
Molecular consequence: synonymous variant.
Genome position (GRCh38, 1-based): chr11:119,045,827, G>A on the plus strand (C>T on the coding strand, the complement: HYOU1 is on the minus strand). VCF-style: chr11-119045827-G-A. GRCh37 (hg19) VCF-style: chr11-118916539-G-A.
Other names: c.2892C>T, p.Ser964= (NM_001130991.3); c.2895C>T, p.Ser965= (NM_001411041.1).
Identifiers: ClinVar variation 2078616 (VCV002078616.26), dbSNP rs782811813, ClinGen allele CA229615940.